The following is an entry in ClinVar:

NM_001556.3(IKBKB):c.1255A>G (p.Arg419Gly)

Gene: IKBKB (inhibitor of nuclear factor kappa B kinase subunit beta; plus strand). Cytogenetic location: 8p11.21.
Variant type: single nucleotide variant.
Coding change: c.1255A>G on transcript NM_001556.3 (MANE Select); coding-DNA position 1255, A replaced by G.
Protein change: p.Arg419Gly; replaces arginine 419 with glycine.
Molecular consequence: missense variant. On other transcripts: non-coding transcript variant (3).
Genome position (GRCh38, 1-based): chr8:42,318,566, A>G. VCF-style: chr8-42318566-A-G. GRCh37 (hg19) VCF-style: chr8-42176084-A-G.
Other names: c.1063A>G, p.Arg355Gly (NM_001190720.3); c.1078A>G, p.Arg360Gly (NM_001242778.2); c.1255A>G (NM_001556.2); short protein forms R419G, R355G, R360G.
Identifiers: ClinVar variation 1939726 (VCV001939726.6), dbSNP rs896756037, ClinGen allele CA175970464.
Genomic context (GRCh38, chr8:42,318,566, plus strand): 5'-GTTATTGTGGTTATTCTTTGACAATTGCTTGTGTCTCTGTCTCCAGTTCAAGAGCCCAAG[A>G]GGAATCTCGCCTTCTTCCAGCTGAGGAAGGTGTGGGGCCAGGTCTGGCACAGCATCCAGA-3'
Protein context (NP_001547.1, residues 409-429): SVSCILQEPK[Arg419Gly]NLAFFQLRKV

ClinVar aggregate classification (germline): Uncertain significance. Review status: criteria provided, multiple submitters, no conflicts (2 of 4 stars). 2 submissions from 2 submitters: Uncertain significance (2). Last evaluated 2024-11-16.

Conditions:
Severe combined immunodeficiency due to IKK2 deficiency. Also called: Immunodeficiency 15; IMMUNODEFICIENCY 15B. Identifiers: Orphanet 397787, MedGen C4747743, MONDO:0014267, OMIM 615592.
Inborn genetic diseases. Identifiers: MedGen C0950123, MeSH D030342.

Allele frequency attached by ClinVar (database versions not stated): gnomAD exomes 0.00001; TOPMed 0.00001.
gnomAD v4.1: 3 of 1,613,956 alleles (0.00019%); highest among the groups gnomAD compares: Admixed American, 0.005%; no homozygotes.

Submissions (2):

Labcorp Genetics (formerly Invitae), Labcorp
Classification: Uncertain significance for Severe combined immunodeficiency due to IKK2 deficiency. Last evaluated: 2024-11-16. Review status: criteria provided, single submitter. Criteria: Invitae Variant Classification Sherloc (09022015). Collection method: clinical testing. Allele origin: germline.
Comment: This sequence change replaces arginine, which is basic and polar, with glycine, which is neutral and non-polar, at codon 419 of the IKBKB protein (p.Arg419Gly). This variant is present in population databases (no rsID available, gnomAD 0.003%). This variant has not been reported in the literature in individuals affected with IKBKB-related conditions. ClinVar contains an entry for this variant (Variation ID: 1939726). Invitae Evidence Modeling of protein sequence and biophysical properties (such as structural, functional, and spatial information, amino acid conservation, physicochemical variation, residue mobility, and thermodynamic stability) indicates that this missense variant is not expected to disrupt IKBKB protein function with a negative predictive value of 95%. In summary, the available evidence is currently insufficient to determine the role of this variant in disease. Therefore, it has been classified as a Variant of Uncertain Significance.

Ambry Genetics
Classification: Uncertain significance for Inborn genetic diseases. Last evaluated: 2024-11-15. Review status: criteria provided, single submitter. Criteria: Ambry Variant Classification Scheme 2023. Collection method: clinical testing. Allele origin: germline.